The following is an entry in ClinVar:

ClinVar aggregate classification (germline): Uncertain significance (1 of 4 stars; one submission).

Allele frequency attached by ClinVar (database versions not stated): gnomAD exomes below 0.00001.
gnomAD v4.1: 1 of 1,614,138 alleles (0.000062%); highest among the groups gnomAD compares: Non-Finnish European, 0.000085%; no homozygotes.

Submission:

Labcorp Genetics (formerly Invitae), Labcorp
Classification: Uncertain significance. Last evaluated: 2024-05-23. Review status: criteria provided, single submitter. Criteria: Invitae Variant Classification Sherloc (09022015). Collection method: clinical testing. Allele origin: germline.
Comment: This sequence change replaces alanine, which is neutral and non-polar, with threonine, which is neutral and polar, at codon 795 of the KCNH1 protein (p.Ala795Thr). This variant is not present in population databases (gnomAD no frequency). This variant has not been reported in the literature in individuals affected with KCNH1-related conditions. Advanced modeling of protein sequence and biophysical properties (such as structural, functional, and spatial information, amino acid conservation, physicochemical variation, residue mobility, and thermodynamic stability) performed at Invitae indicates that this missense variant is not expected to disrupt KCNH1 protein function with a negative predictive value of 95%. In summary, the available evidence is currently insufficient to determine the role of this variant in disease. Therefore, it has been classified as a Variant of Uncertain Significance.

NM_172362.3(KCNH1):c.2383G>A (p.Ala795Thr)

Gene: KCNH1 (potassium voltage-gated channel subfamily H member 1; minus strand). Cytogenetic location: 1q32.2.
Variant type: single nucleotide variant.
Coding change: c.2383G>A on transcript NM_172362.3 (MANE Select); coding-DNA position 2383, G replaced by A.
Protein change: p.Ala795Thr; replaces alanine 795 with threonine.
Molecular consequence: missense variant.
Genome position (GRCh38, 1-based): chr1:210,683,868, C>T on the plus strand (G>A on the coding strand, the complement: KCNH1 is on the minus strand). VCF-style: chr1-210683868-C-T. GRCh37 (hg19) VCF-style: chr1-210857210-C-T.
Other names: c.2302G>A, p.Ala768Thr (NM_002238.4); short protein forms A795T, A768T.
Identifiers: ClinVar variation 2805169 (VCV002805169.3), dbSNP rs2546370639, ClinGen allele CA344871289.